The following is an entry in ClinVar:

NM_020975.6(RET):c.2267C>A (p.Ala756Asp)

Gene: RET (ret proto-oncogene; plus strand). Cytogenetic location: 10q11.21.
Variant type: single nucleotide variant.
Coding change: c.2267C>A on transcript NM_020975.6 (MANE Select); coding-DNA position 2267, C replaced by A.
Protein change: p.Ala756Asp; replaces alanine 756 with aspartic acid.
Molecular consequence: missense variant.
Genome position (GRCh38, 1-based): chr10:43,116,714, C>A. VCF-style: chr10-43116714-C-A. GRCh37 (hg19) VCF-style: chr10-43612162-C-A.
Other names: c.2267C>A, p.Ala756Asp (NM_000323.2, NM_001406743.1, NM_001406744.1 and 4 more transcripts); c.1505C>A, p.Ala502Asp (NM_001355216.2); c.2138C>A, p.Ala713Asp (NM_001406761.1, NM_001406762.1, NM_001406764.1); c.2132C>A, p.Ala711Asp (NM_001406763.1, NM_001406765.1); c.1979C>A, p.Ala660Asp (NM_001406766.1, NM_001406767.1, NM_001406770.1); c.2003C>A, p.Ala668Asp (NM_001406768.1); c.1871C>A, p.Ala624Asp (NM_001406769.1, NM_001406772.1); c.1829C>A, p.Ala610Asp (NM_001406771.1, NM_001406773.1); and 10 more; short protein forms A502D, A756D, A273D, A412D, A414D, A581D, A624D, A660D.
Identifiers: ClinVar variation 1407876 (VCV001407876.7), dbSNP rs1838079858, ClinGen allele CA376554847.

ClinVar aggregate classification (germline): Uncertain significance (1 of 4 stars; one submission).

Conditions:
Multiple endocrine neoplasia, type 2 (MEN2). Identifiers: Orphanet 653, MedGen C4048306, MONDO:0019003. Disease mechanism: gain of function.

Submission:

Labcorp Genetics (formerly Invitae), Labcorp
Classification: Uncertain significance for Multiple endocrine neoplasia, type 2. Last evaluated: 2021-07-28. Review status: criteria provided, single submitter. Criteria: Invitae Variant Classification Sherloc (09022015). Collection method: clinical testing. Allele origin: germline.
Comment: In summary, the available evidence is currently insufficient to determine the role of this variant in disease. Therefore, it has been classified as a Variant of Uncertain Significance. This variant disrupts the p.Ala756 amino acid residue in RET. Other variant(s) that disrupt this residue have been determined to be pathogenic for Hirschsprung disease (PMID: 26395553). This suggests that this residue is clinically significant, and that variants that disrupt this residue are likely to be disease-causing. Algorithms developed to predict the effect of missense changes on protein structure and function are either unavailable or do not agree on the potential impact of this missense change (SIFT: "Deleterious"; PolyPhen-2: "Probably Damaging"; Align-GVGD: "Class C0"). This variant has not been reported in the literature in individuals affected with RET-related conditions. This variant is not present in population databases (ExAC no frequency). This sequence change replaces alanine with aspartic acid at codon 756 of the RET protein (p.Ala756Asp). The alanine residue is highly conserved and there is a moderate physicochemical difference between alanine and aspartic acid.

Literature cited by the submitters: PubMed 26395553.